The following is an entry in ClinVar:

ClinVar aggregate classification (germline): Uncertain significance (1 of 4 stars; one submission).

Submission:

Labcorp Genetics (formerly Invitae), Labcorp
Classification: Uncertain significance. Last evaluated: 2025-08-16. Review status: criteria provided, single submitter. Criteria: Invitae Variant Classification Sherloc (09022015). Collection method: clinical testing. Allele origin: germline.
Comment: This sequence change replaces lysine, which is basic and polar, with arginine, which is basic and polar, at codon 390 of the FASTKD2 protein (p.Lys390Arg). This variant is present in population databases (rs763101146, gnomAD 0.03%). This variant has not been reported in the literature in individuals affected with FASTKD2-related conditions. Invitae Evidence Modeling of protein sequence and biophysical properties (such as structural, functional, and spatial information, amino acid conservation, physicochemical variation, residue mobility, and thermodynamic stability) indicates that this missense variant is not expected to disrupt FASTKD2 protein function with a negative predictive value of 80%. Algorithms developed to predict the effect of sequence changes on RNA splicing suggest that this variant may create or strengthen a splice site. In summary, the available evidence is currently insufficient to determine the role of this variant in disease. Therefore, it has been classified as a Variant of Uncertain Significance.

NM_001136193.2(FASTKD2):c.1169A>G (p.Lys390Arg)

Gene: FASTKD2 (FAST kinase domains 2; plus strand). Cytogenetic location: 2q33.3.
Variant type: single nucleotide variant.
Coding change: c.1169A>G on transcript NM_001136193.2 (MANE Select); coding-DNA position 1169, A replaced by G.
Protein change: p.Lys390Arg; replaces lysine 390 with arginine.
Molecular consequence: missense variant.
Genome position (GRCh38, 1-based): chr2:206,772,235, A>G. VCF-style: chr2-206772235-A-G. GRCh37 (hg19) VCF-style: chr2-207636959-A-G.
Other names: c.1169A>G, p.Lys390Arg (NM_001136194.2, NM_014929.4); short protein forms K390R.
Identifiers: ClinVar variation 4778669 (VCV004778669.1).
Genomic context (GRCh38, chr2:206,772,235, plus strand): 5'-TTCAAGATAATATCCATGGGTGTCCTTTAAGAATAATGATCAACATATTGCAGTCCTGCA[A>G]AGACCTCCAGTACCATAATTTGGATCTCTTCAAGGGACTTGCAGATTATGTGGCTGCAAC-3'
Protein context (NP_001129665.1, residues 380-400): RIMINILQSC[Lys390Arg]DLQYHNLDLF